The following is an entry in ClinVar:

ClinVar aggregate classification (germline): Uncertain significance (1 of 4 stars; one submission).

Submission:

Labcorp Genetics (formerly Invitae), Labcorp
Classification: Uncertain significance. Last evaluated: 2023-01-17. Review status: criteria provided, single submitter. Criteria: Invitae Variant Classification Sherloc (09022015). Collection method: clinical testing. Allele origin: germline.
Comment: This variant is present in population databases (no rsID available, gnomAD 0.003%). This variant has not been reported in the literature in individuals affected with CXCR2-related conditions. Algorithms developed to predict the effect of missense changes on protein structure and function are either unavailable or do not agree on the potential impact of this missense change (SIFT: "Tolerated"; PolyPhen-2: "Possibly Damaging"; Align-GVGD: "Class C0"). In summary, the available evidence is currently insufficient to determine the role of this variant in disease. Therefore, it has been classified as a Variant of Uncertain Significance. This sequence change replaces proline, which is neutral and non-polar, with arginine, which is basic and polar, at codon 215 of the CXCR2 protein (p.Pro215Arg).

NM_001557.4(CXCR2):c.644C>G (p.Pro215Arg)

Gene: CXCR2 (C-X-C motif chemokine receptor 2; plus strand). Cytogenetic location: 2q35.
Variant type: single nucleotide variant.
Coding change: c.644C>G on transcript NM_001557.4 (MANE Select); coding-DNA position 644, C replaced by G.
Protein change: p.Pro215Arg; replaces proline 215 with arginine.
Molecular consequence: missense variant.
Genome position (GRCh38, 1-based): chr2:218,135,445, C>G. VCF-style: chr2-218135445-C-G. GRCh37 (hg19) VCF-style: chr2-219000168-C-G.
Other names: c.644C>G, p.Pro215Arg (NM_001168298.2); short protein forms P215R.
Identifiers: ClinVar variation 2810578 (VCV002810578.3), dbSNP rs1428847469, ClinGen allele CA350530733.